The following is an entry in ClinVar:

ClinVar aggregate classification (germline): Benign/Likely benign. Review status: criteria provided, multiple submitters, no conflicts (2 of 4 stars). 9 submissions from 9 submitters: Benign (5); Likely benign (3). 1 of the submissions does not count toward it. Last evaluated 2026-02-04.

Conditions:
Schimke immuno-osseous dysplasia (SIOD). Also called: Schimke Immunoosseous Dysplasia. Identifiers: Orphanet 1830, MedGen C0877024, MONDO:0009458, OMIM 242900.
Focal segmental glomerulosclerosis (FSGS). Also called: Glomerulosclerosis, focal; Focal sclerosis with hyalinosis. Identifiers: MedGen C0017668, MONDO:0100313, HP:0000097. Disease mechanism: loss of function.

Allele frequency attached by ClinVar (database versions not stated): 1000 Genomes Project 30x 0.01171; 1000 Genomes Project 0.01198; TOPMed 0.01495; ESP Exome Variant Server 0.01576.
gnomAD v4.1: 33,468 of 1,614,180 alleles (2.1%); highest among the groups gnomAD compares: Middle Eastern, 4.4%; 470 homozygotes.

Submissions (9):

Labcorp Genetics (formerly Invitae), Labcorp
Classification: Benign for Schimke immuno-osseous dysplasia. Last evaluated: 2026-02-04. Review status: criteria provided, single submitter. Criteria: Invitae Variant Classification Sherloc (09022015). Collection method: clinical testing. Allele origin: germline.

Blueprint Genetics
Classification: Likely benign. Last evaluated: 2024-11-26. Review status: criteria provided, single submitter. Criteria: ACMG Guidelines, 2015. Collection method: clinical testing. Allele origin: germline.

Mayo Clinic Laboratories, Mayo Clinic
Classification: Benign. Last evaluated: 2022-09-06. Review status: criteria provided, single submitter. Criteria: ACMG Guidelines, 2015. Collection method: clinical testing. Allele origin: germline. Observed: 12 variant alleles.

GeneDx
Classification: Likely benign. Last evaluated: 2021-05-16. Review status: criteria provided, single submitter. Criteria: GeneDx Variant Classification Process June 2021. Collection method: clinical testing. Allele origin: germline. Affected: yes.

Genome Diagnostics Laboratory, The Hospital for Sick Children
Classification: Benign for Focal segmental glomerulosclerosis. Last evaluated: 2020-10-27. Review status: criteria provided, single submitter. Criteria: ACMG Guidelines, 2015. Collection method: clinical testing. Allele origin: germline.

Illumina Laboratory Services, Illumina
Classification: Benign for Schimke immuno-osseous dysplasia. Last evaluated: 2018-01-13. Review status: criteria provided, single submitter. Criteria: ICSL Variant Classification Criteria 13 December 2019. Collection method: clinical testing. Allele origin: germline.
Comment: This variant was observed in the ICSL laboratory as part of a predisposition screen in an ostensibly healthy population. It had not been previously curated by ICSL or reported in the Human Gene Mutation Database (HGMD: prior to June 1st, 2018), and was therefore a candidate for classification through an automated scoring system. Utilizing variant allele frequency, disease prevalence and penetrance estimates, and inheritance mode, an automated score was calculated to assess if this variant is too frequent to cause the disease. Based on the score and internal cut-off values, a variant classified as benign is not then subjected to further curation. The score for this variant resulted in a classification of benign for this disease.

Breakthrough Genomics
Classification: Likely benign. Review status: criteria provided, single submitter. Criteria: ACMG Guidelines, 2015. Collection method: not provided. Allele origin: germline. Inheritance: Autosomal recessive inheritance. Affected: yes.

PreventionGenetics, part of Exact Sciences
Classification: Benign. Review status: criteria provided, single submitter. Criteria: ACMG Guidelines, 2015. Collection method: clinical testing. Allele origin: germline.

Natera, Inc.
Classification: Benign for Schimke immuno-osseous dysplasia. Last evaluated: 2020-09-16. Review status: no assertion criteria provided. Collection method: clinical testing. Allele origin: germline. Not counted in ClinVar's aggregate classification.

NM_014140.4(SMARCAL1):c.1947C>T (p.Asp649=)

Gene: SMARCAL1 (SNF2 related chromatin remodeling annealing helicase 1; plus strand). Cytogenetic location: 2q35.
Variant type: single nucleotide variant.
Coding change: c.1947C>T on transcript NM_014140.4 (MANE Select); coding-DNA position 1947, C replaced by T.
Protein change: p.Asp649=; no amino-acid change (aspartic acid 649 retained).
Molecular consequence: synonymous variant.
Genome position (GRCh38, 1-based): chr2:216,450,941, C>T. VCF-style: chr2-216450941-C-T. GRCh37 (hg19) VCF-style: chr2-217315664-C-T.
Other names: p.Asp649=; c.1947C>T, p.Asp649= (NM_001127207.2).
Identifiers: ClinVar variation 260339 (VCV000260339.26), dbSNP rs2066526, ClinGen allele CA2098057.